The following is an entry in ClinVar:

NM_001803.3(CD52):c.12C>T (p.Phe4=)

Genes: CD52 (CD52 molecule; plus strand), UBXN11 (UBX domain protein 11; minus strand), LOC129929813 (ATAC-STARR-seq lymphoblastoid active region 494; plus strand). Cytogenetic location: 1p36.11.
Variant type: single nucleotide variant.
Coding change: c.12C>T on transcript NM_001803.3 (MANE Select); coding-DNA position 12, C replaced by T.
Protein change: p.Phe4=; no amino-acid change (phenylalanine 4 retained).
Molecular consequence: synonymous variant. On other transcripts: intron variant (1).
Genome position (GRCh38, 1-based): chr1:26,318,029, C>T. VCF-style: chr1-26318029-C-T. GRCh37 (hg19) VCF-style: chr1-26644520-C-T.
Other names: c.-149+18G>A (NM_145345.3).
Identifiers: ClinVar variation 3057395 (VCV003057395.2), dbSNP rs371901792, ClinGen allele CA703308.

ClinVar aggregate classification (germline): Likely benign (0 of 4 stars; one submission).

Conditions:
CD52-related disorder. Also called: CD52-related condition.

Allele frequency attached by ClinVar (database versions not stated): gnomAD 0.00001; gnomAD exomes 0.00001; TOPMed 0.00001; ExAC 0.00002.
gnomAD v4.1: 12 of 1,614,206 alleles (0.00074%); highest among the groups gnomAD compares: East Asian, 0.016%; no homozygotes.

Submission:

PreventionGenetics, part of Exact Sciences
Classification: Likely benign for CD52-related condition. Last evaluated: 2019-03-18. Review status: no assertion criteria provided. Collection method: clinical testing. Allele origin: germline.
Comment: This variant is classified as likely benign based on ACMG/AMP sequence variant interpretation guidelines (Richards et al. 2015 PMID: 25741868, with internal and published modifications).